The following is an entry in ClinVar:

ClinVar aggregate classification (germline): Uncertain significance (1 of 4 stars; one submission).

Conditions:
Inborn genetic diseases. Identifiers: MedGen C0950123, MeSH D030342.

gnomAD v4.1: 1 of 1,614,006 alleles (0.000062%); highest among the groups gnomAD compares: Non-Finnish European, 0.000085%; no homozygotes.

Submission:

Ambry Genetics
Classification: Uncertain significance for Inborn genetic diseases. Last evaluated: 2026-04-28. Review status: criteria provided, single submitter. Criteria: Ambry Variant Classification Scheme 2023. Collection method: clinical testing. Allele origin: germline.
Comment: The p.N1186I variant (also known as c.3557A>T), located in coding exon 14 of the FANCM gene, results from an A to T substitution at nucleotide position 3557. The asparagine at codon 1186 is replaced by isoleucine, an amino acid with dissimilar properties. This amino acid position is conserved. In addition, this alteration is predicted to be tolerated by in silico analysis. Based on the available evidence, the clinical significance of this variant remains unclear.

NM_020937.4(FANCM):c.3557A>T (p.Asn1186Ile)

Gene: FANCM (FA complementation group M; plus strand). Cytogenetic location: 14q21.2.
Variant type: single nucleotide variant.
Coding change: c.3557A>T on transcript NM_020937.4 (MANE Select); coding-DNA position 3557, A replaced by T.
Protein change: p.Asn1186Ile; replaces asparagine 1186 with isoleucine.
Molecular consequence: missense variant.
Genome position (GRCh38, 1-based): chr14:45,176,311, A>T. VCF-style: chr14-45176311-A-T. GRCh37 (hg19) VCF-style: chr14-45645514-A-T.
Other names: c.3479A>T, p.Asn1160Ile (NM_001308133.2); short protein forms N1160I, N1186I.
Identifiers: ClinVar variation 4871109 (VCV004871109.1).
Genomic context (GRCh38, chr14:45,176,311, plus strand): 5'-CTATTAGTGAAACGCCTCTGGTCTCTCAGTTCTTAATTTCTGATGAACTTTTGTTGGACA[A>T]TAATTCTGAACTCCAAGATCAAATCACCCGTGATGCTAATAGTTTTAAATCTCGTGATCA-3'
Protein context (NP_065988.1, residues 1176-1196): FLISDELLLD[Asn1186Ile]NSELQDQITR